The following is an entry in ClinVar:

ClinVar aggregate classification (germline): Uncertain significance (1 of 4 stars; one submission).

Conditions:
Charcot-Marie-Tooth disease type 4. Also called: Charcot-Marie-Tooth disease, type IV; Charcot-Marie-Tooth, Type 4. Identifiers: Orphanet 64749, MedGen C4082197, MONDO:0018995.

Allele frequency attached by ClinVar (database versions not stated): gnomAD 0.00001.
gnomAD v4.1: 1 of 1,613,924 alleles (0.000062%); highest among the groups gnomAD compares: East Asian, 0.0022%; no homozygotes.

Submission:

Labcorp Genetics (formerly Invitae), Labcorp
Classification: Uncertain significance for Charcot-Marie-Tooth disease type 4. Last evaluated: 2022-08-23. Review status: criteria provided, single submitter. Criteria: Invitae Variant Classification Sherloc (09022015). Collection method: clinical testing. Allele origin: germline.
Comment: This variant has not been reported in the literature in individuals affected with FIG4-related conditions. This variant is not present in population databases (gnomAD no frequency). This sequence change replaces alanine, which is neutral and non-polar, with aspartic acid, which is acidic and polar, at codon 882 of the FIG4 protein (p.Ala882Asp). In summary, the available evidence is currently insufficient to determine the role of this variant in disease. Therefore, it has been classified as a Variant of Uncertain Significance. Algorithms developed to predict the effect of missense changes on protein structure and function (SIFT, PolyPhen-2, Align-GVGD) all suggest that this variant is likely to be tolerated. ClinVar contains an entry for this variant (Variation ID: 1490903).

NM_014845.6(FIG4):c.2645C>A (p.Ala882Asp)

Gene: FIG4 (FIG4 phosphoinositide 5-phosphatase; plus strand). Cytogenetic location: 6q21.
Variant type: single nucleotide variant.
Coding change: c.2645C>A on transcript NM_014845.6 (MANE Select); coding-DNA position 2645, C replaced by A.
Protein change: p.Ala882Asp; replaces alanine 882 with aspartic acid.
Molecular consequence: missense variant.
Genome position (GRCh38, 1-based): chr6:109,825,186, C>A. VCF-style: chr6-109825186-C-A. GRCh37 (hg19) VCF-style: chr6-110146389-C-A.
Other names: short protein forms A882D.
Identifiers: ClinVar variation 1490903 (VCV001490903.6), dbSNP rs2128402682, ClinGen allele CA365225141.
Genomic context (GRCh38, chr6:109,825,186, plus strand): 5'-AAGTTCAGCCCCCAAGAGTAGACAGAAAATCTACAGAGATCTTCCAAGCCCACATCCAGG[C>A]CAGCCAAGGTATCATGCAGCCCCTAGGAAAAGAGGACTCCTCCATGTACCGAGAGTACAT-3'
Protein context (NP_055660.1, residues 872-892): STEIFQAHIQ[Ala882Asp]SQGIMQPLGK